The following is an entry in ClinVar:

ClinVar aggregate classification (germline): Uncertain significance. Review status: criteria provided, multiple submitters, no conflicts (2 of 4 stars). 3 submissions from 3 submitters: Uncertain significance (3). Last evaluated 2026-05-19.

Conditions:
Cardiovascular phenotype. Identifiers: MedGen CN230736.

gnomAD v4.1: 165 of 1,540,666 alleles (0.011%); highest among the groups gnomAD compares: Non-Finnish European, 0.014%; no homozygotes.

Submissions (3):

Women's Health and Genetics/Laboratory Corporation of America, LabCorp
Classification: Uncertain significance. Last evaluated: 2026-05-19. Review status: criteria provided, single submitter. Criteria: LabCorp Variant Classification Summary - May 2015. Collection method: clinical testing. Allele origin: germline.
Comment: Variant summary: ZNF469 c.1958C>T (p.Pro653Leu) results in a non-conservative amino acid change in the encoded protein sequence. Algorithms developed to predict the effect of missense changes on protein structure and function are either unavailable or do not agree on the potential impact of this missense change. The variant allele was found at a frequency of 3.4e-05 in 148332 control chromosomes. The available data on variant occurrences in the general population are insufficient to allow any conclusion about variant significance. To our knowledge, no occurrence of c.1958C>T in individuals affected with ZNF469-related conditions and no experimental evidence demonstrating its impact on protein function have been reported. ClinVar contains an entry for this variant (Variation ID: 1783351). Based on the evidence outlined above, the variant was classified as uncertain significance.

Ambry Genetics
Classification: Uncertain significance for Cardiovascular phenotype. Last evaluated: 2025-05-30. Review status: criteria provided, single submitter. Criteria: Ambry Variant Classification Scheme 2023. Collection method: clinical testing. Allele origin: germline.
Comment: The p.P653L variant (also known as c.1958C>T), located in coding exon 1 of the ZNF469 gene, results from a C to T substitution at nucleotide position 1958. The proline at codon 653 is replaced by leucine, an amino acid with similar properties. This amino acid position is conserved. In addition, this alteration is predicted to be tolerated by in silico analysis. Since supporting evidence is limited at this time, the clinical significance of this alteration remains unclear.

Labcorp Genetics (formerly Invitae), Labcorp
Classification: Uncertain significance. Last evaluated: 2022-08-01. Review status: criteria provided, single submitter. Criteria: Invitae Variant Classification Sherloc (09022015). Collection method: clinical testing. Allele origin: germline.
Comment: This sequence change replaces proline, which is neutral and non-polar, with leucine, which is neutral and non-polar, at codon 653 of the ZNF469 protein (p.Pro653Leu). This variant is present in population databases (no rsID available, gnomAD 0.009%). This variant has not been reported in the literature in individuals affected with ZNF469-related conditions. Algorithms developed to predict the effect of missense changes on protein structure and function output the following: SIFT: "Tolerated"; PolyPhen-2: "Probably Damaging"; Align-GVGD: "Class C0". The leucine amino acid residue is found in multiple mammalian species, which suggests that this missense change does not adversely affect protein function. In summary, the available evidence is currently insufficient to determine the role of this variant in disease. Therefore, it has been classified as a Variant of Uncertain Significance.

NM_001367624.2(ZNF469):c.1958C>T (p.Pro653Leu)

Gene: ZNF469 (zinc finger protein 469; plus strand). Cytogenetic location: 16q24.2.
Variant type: single nucleotide variant.
Coding change: c.1958C>T on transcript NM_001367624.2 (MANE Select); coding-DNA position 1958, C replaced by T.
Protein change: p.Pro653Leu; replaces proline 653 with leucine.
Molecular consequence: missense variant.
Genome position (GRCh38, 1-based): chr16:88,429,428, C>T. VCF-style: chr16-88429428-C-T. GRCh37 (hg19) VCF-style: chr16-88495836-C-T.
Other names: NM_001127464.1:c.1958C>T; short protein forms P653L.
Identifiers: ClinVar variation 1783351 (VCV001783351.6), dbSNP rs780409854, ClinGen allele CA397069350.